The following is an entry in ClinVar:

NM_001048174.2(MUTYH):c.1363A>G (p.Thr455Ala)

Gene: MUTYH (mutY DNA glycosylase; minus strand). Cytogenetic location: 1p34.1.
Variant type: single nucleotide variant.
Coding change: c.1363A>G on transcript NM_001048174.2 (MANE Select); coding-DNA position 1363, A replaced by G.
Protein change: p.Thr455Ala; replaces threonine 455 with alanine.
Molecular consequence: missense variant. On other transcripts: non-coding transcript variant (2).
Genome position (GRCh38, 1-based): chr1:45,331,211, T>C on the plus strand (A>G on the coding strand, the complement: MUTYH is on the minus strand). VCF-style: chr1-45331211-T-C. GRCh37 (hg19) VCF-style: chr1-45796883-T-C.
Other names: c.1363A>G, p.Thr455Ala (NM_001048171.2, NM_001048173.2, NM_001293195.2 and 6 more transcripts); c.1366A>G, p.Thr456Ala (NM_001048172.2, NM_001407071.1, NM_001407078.1 and 1 more transcripts); c.1447A>G, p.Thr483Ala (NM_001128425.2); c.1408A>G, p.Thr470Ala (NM_001293190.2); c.1396A>G, p.Thr466Ala (NM_001293191.2, NM_001407069.1, NM_001407077.1); c.1087A>G, p.Thr363Ala (NM_001293192.2, NM_001293196.2, NM_001407091.1); c.1018A>G, p.Thr340Ala (NM_001350650.2, NM_001350651.2, NM_001407082.1); c.1279A>G, p.Thr427Ala (NM_001407075.1); and 5 more; short protein forms T363A, T442A, T455A, T466A, T470A, T340A, T441A, T456A.
Identifiers: ClinVar variation 1772814 (VCV001772814.9), dbSNP rs1570363119, ClinGen allele CA340132552.

ClinVar aggregate classification (germline): Conflicting classifications of pathogenicity. Review status: criteria provided, conflicting classifications (1 of 4 stars). 3 submissions from 3 submitters: Uncertain significance (2); Benign (1). Last evaluated 2025-09-09.

Conditions:
Familial adenomatous polyposis 2. Also called: MYH-associated polyposis; Adenomas, multiple colorectal; COLORECTAL ADENOMATOUS POLYPOSIS, AUTOSOMAL RECESSIVE; ADENOMAS, MULTIPLE COLORECTAL, AUTOSOMAL RECESSIVE; MUTYH Polyposis; FAP type 2. Identifiers: Orphanet 220460, Orphanet 247798, MedGen C3272841, MONDO:0012041, OMIM 608456.
Hereditary cancer-predisposing syndrome. Also called: Tumor predisposition; Neoplastic Syndromes, Hereditary; Hereditary Cancer Syndrome; Hereditary neoplastic syndrome. Identifiers: Orphanet 140162, MedGen C0027672, MeSH D009386, MONDO:0015356.

Allele frequency attached by ClinVar (database versions not stated): gnomAD exomes below 0.00001.

Submissions (3):

Ambry Genetics
Classification: Benign for Hereditary cancer-predisposing syndrome. Last evaluated: 2025-09-09. Review status: criteria provided, single submitter. Criteria: Ambry Variant Classification Scheme 2023. Collection method: clinical testing. Allele origin: germline.

Labcorp Genetics (formerly Invitae), Labcorp
Classification: Uncertain significance for Familial adenomatous polyposis 2. Last evaluated: 2023-03-04. Review status: criteria provided, single submitter. Criteria: Invitae Variant Classification Sherloc (09022015). Collection method: clinical testing. Allele origin: germline.
Comment: This sequence change replaces threonine, which is neutral and polar, with alanine, which is neutral and non-polar, at codon 483 of the MUTYH protein (p.Thr483Ala). In summary, the available evidence is currently insufficient to determine the role of this variant in disease. Therefore, it has been classified as a Variant of Uncertain Significance. Algorithms developed to predict the effect of missense changes on protein structure and function output the following: SIFT: "Not Available"; PolyPhen-2: "Benign"; Align-GVGD: "Not Available". The alanine amino acid residue is found in multiple mammalian species, which suggests that this missense change does not adversely affect protein function. ClinVar contains an entry for this variant (Variation ID: 1772814). This variant has not been reported in the literature in individuals affected with MUTYH-related conditions. This variant is not present in population databases (gnomAD no frequency).

Color Diagnostics, LLC DBA Color Health
Classification: Uncertain significance for Hereditary cancer-predisposing syndrome. Last evaluated: 2021-11-02. Review status: criteria provided, single submitter. Criteria: ACMG Guidelines, 2015. Collection method: clinical testing. Allele origin: germline.
Comment: This missense variant replaces threonine with alanine at codon 483 of the MUTYH protein. Computational prediction suggests that this variant may not impact protein structure and function (internally defined REVEL score threshold <= 0.5, PMID: 27666373). To our knowledge, functional studies have not been reported for this variant. This variant has not been reported in individuals affected with hereditary cancer in the literature. This variant has not been identified in the general population by the Genome Aggregation Database (gnomAD). The available evidence is insufficient to determine the role of this variant in disease conclusively. Therefore, this variant is classified as a Variant of Uncertain Significance.

Literature cited by the submitters: PubMed 40738107 (cited by Ambry Genetics).